The following is an entry in ClinVar:

NM_007294.4(BRCA1):c.28G>A (p.Glu10Lys)

Gene: BRCA1 (BRCA1 DNA repair associated; minus strand). Cytogenetic location: 17q21.31.
Variant type: single nucleotide variant.
Coding change: c.28G>A on transcript NM_007294.4 (MANE Select); coding-DNA position 28, G replaced by A.
Protein change: p.Glu10Lys; replaces glutamic acid 10 with lysine.
Molecular consequence: missense variant. On other transcripts: 5 prime UTR variant (1), non-coding transcript variant (1).
Genome position (GRCh38, 1-based): chr17:43,124,069, C>T on the plus strand (G>A on the coding strand, the complement: BRCA1 is on the minus strand). VCF-style: chr17-43124069-C-T. GRCh37 (hg19) VCF-style: chr17-41276086-C-T.
Other names: c.28G>A, p.Glu10Lys (NM_001407602.1, NM_001407603.1, NM_001407605.1 and 193 more transcripts); c.-230G>A (NM_001407694.1, NM_001407724.1, NM_001407727.1 and 11 more transcripts); c.-234G>A (NM_001407695.1, NM_001408465.1); c.-375G>A (NM_001407696.1); c.-259G>A (NM_001407697.1, NM_001407846.1, NM_001407920.1); c.-60G>A (NM_001407698.1, NM_001407732.1, NM_001407736.1 and 23 more transcripts); c.-233G>A (NM_001407725.1, NM_001407730.1, NM_001407734.1 and 22 more transcripts); c.-179G>A (NM_001407726.1, NM_001407751.1); and 8 more; short protein forms E10K.
Identifiers: ClinVar variation 869080 (VCV000869080.14), dbSNP rs2055737833, ClinGen allele CA10602107.

ClinVar aggregate classification (germline): Uncertain significance. Review status: criteria provided, multiple submitters, no conflicts (2 of 4 stars). 4 submissions from 4 submitters: Uncertain significance (4). Last evaluated 2024-07-02.

Conditions:
Hereditary cancer-predisposing syndrome. Also called: Neoplastic Syndromes, Hereditary; Tumor predisposition; Hereditary Cancer Syndrome; Hereditary neoplastic syndrome. Identifiers: Orphanet 140162, MedGen C0027672, MeSH D009386, MONDO:0015356.
BRCA1-related cancer predisposition. Identifiers: MedGen CN377757, MONDO:0700268.
Hereditary breast ovarian cancer syndrome. Also called: Hereditary breast and ovarian cancer; Hereditary breast and ovarian cancer syndrome (HBOC); Breast and ovarian cancer; Hereditary breast and/or ovarian cancer syndrome; BRCA1- and BRCA2-Associated Hereditary Breast and Ovarian Cancer; Hereditary breast and ovarian cancer syndrome. Identifiers: Orphanet 145, MedGen C0677776, MeSH D061325, MONDO:0003582. Disease mechanism: loss of function.

Submissions (5):

Ambry Genetics
Classification: Uncertain significance for Hereditary cancer-predisposing syndrome. Last evaluated: 2024-07-02. Review status: criteria provided, single submitter. Criteria: Ambry Variant Classification Scheme 2023. Collection method: clinical testing. Allele origin: germline.
Comment: The p.E10K variant (also known as c.28G>A), located in coding exon 1 of the BRCA1 gene, results from a G to A substitution at nucleotide position 28. The glutamic acid at codon 10 is replaced by lysine, an amino acid with similar properties. One functional study found that this nucleotide substitution had intermediate function in a high throughput genome editing haploid cell survival assay (Findlay GM et al. Nature, 2018 Oct;562:217-222). This amino acid position is highly conserved in available vertebrate species. In addition, the in silico prediction for this alteration is inconclusive. Based on the available evidence, the clinical significance of this variant remains unclear.

All of Us Research Program, National Institutes of Health
Classification: Uncertain significance for BRCA1-related cancer predisposition. Last evaluated: 2024-06-17. Review status: criteria provided, single submitter. Criteria: ACMG Guidelines, 2015. Collection method: clinical testing. Allele origin: germline. Inheritance: Autosomal dominant inheritance. Observed: 1 variant allele, 1 heterozygote.
Comment: This missense variant replaces glutamic acid with lysine at codon 10 of the BRCA1 protein. Computational prediction suggests that this variant may have deleterious impact on protein structure and function. Functional studies reported that this variant does not impact BARD1 binding assays, but it shows intermediate activity in a ubiquitin E3 ligase assay and a haploid cell proliferation assay (PMID: 25823446, 30209399, 35659930). This variant has been reported in an individual affected with breast or ovarian cancer (PMID: 14722926). This variant has not been identified in the general population by the Genome Aggregation Database (gnomAD). The available evidence is insufficient to determine the role of this variant in disease conclusively. Therefore, this variant is classified as a Variant of Uncertain Significance.

This study involves interpretation of variants in research participants for the purpose of population health screening. Participant phenotype was not available at the time of variant classification. Additional details can be found in publication PMID: 35346344, PMCID: PMC8962531

Women's Health and Genetics/Laboratory Corporation of America, LabCorp
Classification: Uncertain significance. Last evaluated: 2021-11-24. Review status: criteria provided, single submitter. Criteria: LabCorp Variant Classification Summary - May 2015. Collection method: clinical testing. Allele origin: germline.
Comment: Variant summary: BRCA1 c.28G>A (p.Glu10Lys) results in a non-conservative amino acid change in the encoded protein sequence. Four of five in-silico tools predict a damaging effect of the variant on protein function. The variant allele was found at a frequency of 7.3e-06 in 273890 control chromosomes, however the available data on variant occurrences in the general population are insufficient to allow any conclusion about variant significance. c.28G>A has been reported in the literature in at least one individual affected with Hereditary Breast And Ovarian Cancer Syndrome (Valarmathi_2004), but this report does not provide unequivocal conclusions about association of the variant with disease. Experimental evidence evaluating an impact on protein function through utilization of a cell-survival assay in a population of edited haploid HAP1 cells as a measure of functional HDR pathway, reported the variant with a functional score supporting intermediate function (Findlay_2018). No clinical diagnostic laboratories have submitted clinical-significance assessments for this variant to ClinVar after 2014. Based on the evidence outlined above, the variant was classified as uncertain significance.

Labcorp Genetics (formerly Invitae), Labcorp
Classification: Uncertain significance for Hereditary breast ovarian cancer syndrome. Last evaluated: 2020-11-06. Review status: criteria provided, single submitter. Criteria: Invitae Variant Classification Sherloc (09022015). Collection method: clinical testing. Allele origin: germline.
Comment: This variant has been observed in individual(s) with breast cancer (PMID: 17018160, 14722926). ClinVar contains an entry for this variant (Variation ID: 869080). This sequence change replaces glutamic acid with lysine at codon 10 of the BRCA1 protein (p.Glu10Lys). The glutamic acid residue is moderately conserved and there is a small physicochemical difference between glutamic acid and lysine. This variant is not present in population databases (ExAC no frequency). Advanced modeling of protein sequence and biophysical properties (such as structural, functional, and spatial information, amino acid conservation, physicochemical variation, residue mobility, and thermodynamic stability) performed at Invitae indicates that this missense variant is not expected to disrupt BRCA1 protein function. In summary, the available evidence is currently insufficient to determine the role of this variant in disease. Therefore, it has been classified as a Variant of Uncertain Significance. Experimental studies are conflicting or provide insufficient evidence to determine the effect of this variant on BRCA1 protein function (PMID: 30209399).

Brotman Baty Institute, University of Washington
No classification provided (evidence only). Condition: Breast-ovarian cancer, familial 1. Review status: no classification provided. Collection method: in vitro. Allele origin: not applicable. Functional consequence: function_uncertain_variant. Not counted in ClinVar's aggregate classification.
ClinVar note: "not provided" was previously submitted as the classification for the variant. However, the classification appeared to be based only on an observation of functional data so it was converted to no classification on 2025-07-30.

Literature cited by the submitters: PubMed 30209399 (cited by 4 submitters); PubMed 14722926 (cited by 3 submitters); PubMed 25823446 (cited by All of Us Research Program, National Institutes of Health); PubMed 35659930 (cited by All of Us Research Program, National Institutes of Health); PubMed 17018160 (cited by Women's Health and Genetics/Laboratory Corporation of America, LabCorp and Labcorp Genetics (formerly Invitae), Labcorp); PubMed 32467295 (cited by Women's Health and Genetics/Laboratory Corporation of America, LabCorp).